The following is an entry in ClinVar:

NM_021813.4(BACH2):c.92G>A (p.Arg31Gln)

Gene: BACH2 (BACH transcriptional regulator 2; minus strand). Cytogenetic location: 6q15.
Variant type: single nucleotide variant.
Coding change: c.92G>A on transcript NM_021813.4 (MANE Select); coding-DNA position 92, G replaced by A.
Protein change: p.Arg31Gln; replaces arginine 31 with glutamine.
Molecular consequence: missense variant.
Genome position (GRCh38, 1-based): chr6:90,008,753, C>T on the plus strand (G>A on the coding strand, the complement: BACH2 is on the minus strand). VCF-style: chr6-90008753-C-T. GRCh37 (hg19) VCF-style: chr6-90718472-C-T.
Other names: c.92G>A, p.Arg31Gln (NM_001170794.2); short protein forms R31Q.
Identifiers: ClinVar variation 1399721 (VCV001399721.8), dbSNP rs1777545442, ClinGen allele CA365069432.

ClinVar aggregate classification (germline): Uncertain significance (1 of 4 stars; one submission).

Allele frequency attached by ClinVar (database versions not stated): gnomAD exomes 0.00001.
gnomAD v4.1: 13 of 1,614,164 alleles (0.00081%); highest among the groups gnomAD compares: South Asian, 0.0011%; no homozygotes.

Submission:

Labcorp Genetics (formerly Invitae), Labcorp
Classification: Uncertain significance. Last evaluated: 2023-11-04. Review status: criteria provided, single submitter. Criteria: Invitae Variant Classification Sherloc (09022015). Collection method: clinical testing. Allele origin: germline.
Comment: This sequence change replaces arginine, which is basic and polar, with glutamine, which is neutral and polar, at codon 31 of the BACH2 protein (p.Arg31Gln). This variant is not present in population databases (gnomAD no frequency). This variant has not been reported in the literature in individuals affected with BACH2-related conditions. ClinVar contains an entry for this variant (Variation ID: 1399721). Advanced modeling of protein sequence and biophysical properties (such as structural, functional, and spatial information, amino acid conservation, physicochemical variation, residue mobility, and thermodynamic stability) has been performed at Invitae for this missense variant, however the output from this modeling did not meet the statistical confidence thresholds required to predict the impact of this variant on BACH2 protein function. In summary, the available evidence is currently insufficient to determine the role of this variant in disease. Therefore, it has been classified as a Variant of Uncertain Significance.